The following is an entry in ClinVar:

NM_004525.3(LRP2):c.1229A>G (p.His410Arg)

Gene: LRP2 (LDL receptor related protein 2; minus strand). Cytogenetic location: 2q31.1.
Variant type: single nucleotide variant.
Coding change: c.1229A>G on transcript NM_004525.3 (MANE Select); coding-DNA position 1229, A replaced by G.
Protein change: p.His410Arg; replaces histidine 410 with arginine.
Molecular consequence: missense variant.
Genome position (GRCh38, 1-based): chr2:169,280,462, T>C on the plus strand (A>G on the coding strand, the complement: LRP2 is on the minus strand). VCF-style: chr2-169280462-T-C. GRCh37 (hg19) VCF-style: chr2-170136972-T-C.
Other names: short protein forms H410R.
Identifiers: ClinVar variation 1470921 (VCV001470921.8), dbSNP rs1187695296, ClinGen allele CA349150410.

ClinVar aggregate classification (germline): Uncertain significance. Review status: criteria provided, multiple submitters, no conflicts (2 of 4 stars). 2 submissions from 2 submitters: Uncertain significance (2). Last evaluated 2022-08-16.

Conditions:
Donnai-Barrow syndrome. Also called: DBS/FOAR SYNDROME; FACIOOCULOACOUSTICORENAL SYNDROME. Identifiers: Orphanet 2143, MedGen C1857277, MONDO:0009104, OMIM 222448.

Allele frequency attached by ClinVar (database versions not stated): TOPMed 0.00001.

Submissions (2):

Labcorp Genetics (formerly Invitae), Labcorp
Classification: Uncertain significance. Last evaluated: 2022-08-16. Review status: criteria provided, single submitter. Criteria: Invitae Variant Classification Sherloc (09022015). Collection method: clinical testing. Allele origin: germline.
Comment: This variant is not present in population databases (gnomAD no frequency). In summary, the available evidence is currently insufficient to determine the role of this variant in disease. Therefore, it has been classified as a Variant of Uncertain Significance. Advanced modeling of protein sequence and biophysical properties (such as structural, functional, and spatial information, amino acid conservation, physicochemical variation, residue mobility, and thermodynamic stability) performed at Invitae indicates that this missense variant is not expected to disrupt LRP2 protein function. ClinVar contains an entry for this variant (Variation ID: 1470921). This variant has not been reported in the literature in individuals affected with LRP2-related conditions. This sequence change replaces histidine, which is basic and polar, with arginine, which is basic and polar, at codon 410 of the LRP2 protein (p.His410Arg).

Fulgent Genetics
Classification: Uncertain significance for Donnai-Barrow syndrome. Last evaluated: 2022-05-13. Review status: criteria provided, single submitter. Criteria: ACMG Guidelines, 2015. Collection method: clinical testing. Allele origin: unknown.